The following is an entry in ClinVar:

NM_015512.5(DNAH1):c.2650C>T (p.Arg884Trp)

Gene: DNAH1 (dynein axonemal heavy chain 1; plus strand). Cytogenetic location: 3p21.1.
Variant type: single nucleotide variant.
Coding change: c.2650C>T on transcript NM_015512.5 (MANE Select); coding-DNA position 2650, C replaced by T.
Protein change: p.Arg884Trp; replaces arginine 884 with tryptophan.
Molecular consequence: missense variant.
Genome position (GRCh38, 1-based): chr3:52,350,511, C>T. VCF-style: chr3-52350511-C-T. GRCh37 (hg19) VCF-style: chr3-52384527-C-T.
Other names: short protein forms R884W.
Identifiers: ClinVar variation 2144733 (VCV002144733.1), dbSNP rs182989782, ClinGen allele CA2433336.

ClinVar aggregate classification (germline): Uncertain significance (1 of 4 stars; one submission).

Conditions:
Spermatogenic failure 18. Identifiers: MedGen C4539783, MONDO:0054615, OMIM 617576.
Ciliary dyskinesia, primary, 37 (CILD37). Also called: CILIARY DYSKINESIA, PRIMARY, 37, WITH OR WITHOUT SITUS INVERSUS. Identifiers: MedGen C4539798, MONDO:0033204, OMIM 617577.

Allele frequency attached by ClinVar (database versions not stated): TOPMed 0.00001; gnomAD 0.00002; ExAC 0.00003; 1000 Genomes Project 30x 0.00016; 1000 Genomes Project 0.00020.

Submission:

Labcorp Genetics (formerly Invitae), Labcorp
Classification: Uncertain significance for Ciliary dyskinesia, primary, 37; Spermatogenic failure 18. Last evaluated: 2022-03-24. Review status: criteria provided, single submitter. Criteria: Invitae Variant Classification Sherloc (09022015). Collection method: clinical testing. Allele origin: germline.
Comment: This sequence change replaces arginine, which is basic and polar, with tryptophan, which is neutral and slightly polar, at codon 884 of the DNAH1 protein (p.Arg884Trp). This variant is present in population databases (rs182989782, gnomAD 0.04%). This variant has not been reported in the literature in individuals affected with DNAH1-related conditions. Algorithms developed to predict the effect of missense changes on protein structure and function are either unavailable or do not agree on the potential impact of this missense change (SIFT: "Deleterious"; PolyPhen-2: "Possibly Damaging"; Align-GVGD: "Class C0"). In summary, the available evidence is currently insufficient to determine the role of this variant in disease. Therefore, it has been classified as a Variant of Uncertain Significance.